The following is an entry in ClinVar:

ClinVar aggregate classification (germline): Uncertain significance (0 of 4 stars; one submission).

Conditions:
ALMS1-related disorder. Also called: ALMS1-related condition.

Submission:

PreventionGenetics, part of Exact Sciences
Classification: Uncertain significance for ALMS1-related condition. Last evaluated: 2023-11-23. Review status: no assertion criteria provided. Collection method: clinical testing. Allele origin: germline.
Comment: The ALMS1 c.9406A>G variant is predicted to result in the amino acid substitution p.Thr3136Ala. To our knowledge, this variant has not been reported in the literature or in a large population database, indicating this variant is rare. At this time, the clinical significance of this variant is uncertain due to the absence of conclusive functional and genetic evidence.

NM_001378454.1(ALMS1):c.9403A>G (p.Ser3135Gly)

Gene: ALMS1 (ALMS1 centrosome and basal body associated protein; plus strand). Cytogenetic location: 2p13.1.
Variant type: single nucleotide variant.
Coding change: c.9403A>G on transcript NM_001378454.1 (MANE Select); coding-DNA position 9403, A replaced by G.
Protein change: p.Ser3135Gly; replaces serine 3135 with glycine.
Molecular consequence: missense variant.
Genome position (GRCh38, 1-based): chr2:73,491,362, A>G. VCF-style: chr2-73491362-A-G. GRCh37 (hg19) VCF-style: chr2-73718489-A-G.
Other names: c.9406A>G, p.Ser3136Gly (NM_015120.4); short protein forms S3135G, S3136G.
Identifiers: ClinVar variation 3354883 (VCV003354883.1).
Genomic context (GRCh38, chr2:73,491,362, plus strand): 5'-GGTTTTCTAGGACCTAAATCTTCACTGGATTTCCAAGTCGTACAGCCTTCTCTTCCAGAC[A>G]GTAACACTATTACTCAGGACTTGAAAACCATACCTTCTCAGAATAGCCAGATAGTAACCT-3'
Protein context (NP_001365383.1, residues 3125-3145): FQVVQPSLPD[Ser3135Gly]NTITQDLKTI